The following is an entry in ClinVar:

NM_001378454.1(ALMS1):c.2642C>T (p.Thr881Ile)

Gene: ALMS1 (ALMS1 centrosome and basal body associated protein; plus strand). Cytogenetic location: 2p13.1.
Variant type: single nucleotide variant.
Coding change: c.2642C>T on transcript NM_001378454.1 (MANE Select); coding-DNA position 2642, C replaced by T.
Protein change: p.Thr881Ile; replaces threonine 881 with isoleucine.
Molecular consequence: missense variant.
Genome position (GRCh38, 1-based): chr2:73,449,169, C>T. VCF-style: chr2-73449169-C-T. GRCh37 (hg19) VCF-style: chr2-73676296-C-T.
Other names: c.2645C>T, p.Thr882Ile (NM_015120.4); short protein forms T881I, T882I.
Identifiers: ClinVar variation 1706753 (VCV001706753.4), dbSNP rs1186106599, ClinGen allele CA347270845.
Genomic context (GRCh38, chr2:73,449,169, plus strand): 5'-CTTCACTTGGAGAAAAGCCCAGTGCTTTCTATCAGCAGACCTTACCCAATAGTCATCTAA[C>T]TGAAGAGGCTCTGAAAGTATCAATTGTTCCTGGACCAGGTGATCAGAAGACTGGGATACC-3'
Protein context (NP_001365383.1, residues 871-891): YQQTLPNSHL[Thr881Ile]EEALKVSIVP

ClinVar aggregate classification (germline): Uncertain significance. Review status: criteria provided, multiple submitters, no conflicts (2 of 4 stars). 2 submissions from 2 submitters: Uncertain significance (2). Last evaluated 2023-03-10.

Conditions:
Cardiovascular phenotype. Identifiers: MedGen CN230736.

Allele frequency attached by ClinVar (database versions not stated): gnomAD 0.00001.
gnomAD v4.1: 1 of 1,614,024 alleles (0.000062%); highest among the groups gnomAD compares: East Asian, 0.0022%; no homozygotes.

Submissions (2):

Ambry Genetics
Classification: Uncertain significance for Cardiovascular phenotype. Last evaluated: 2023-03-10. Review status: criteria provided, single submitter. Criteria: Ambry Variant Classification Scheme 2023. Collection method: clinical testing. Allele origin: germline.
Comment: The p.T882I variant (also known as c.2645C>T), located in coding exon 8 of the ALMS1 gene, results from a C to T substitution at nucleotide position 2645. The threonine at codon 882 is replaced by isoleucine, an amino acid with similar properties. This amino acid position is not well conserved in available vertebrate species. In addition, this alteration is predicted to be tolerated by in silico analysis. Since supporting evidence is limited at this time, the clinical significance of this alteration remains unclear.

GeneDx
Classification: Uncertain significance. Last evaluated: 2022-03-20. Review status: criteria provided, single submitter. Criteria: GeneDx Variant Classification Process June 2021. Collection method: clinical testing. Allele origin: germline. Affected: yes.
Comment: Not observed at significant frequency in large population cohorts (gnomAD); In silico analysis supports that this missense variant does not alter protein structure/function; Has not been previously published as pathogenic or benign to our knowledge